The following is an entry in ClinVar:

NM_004218.4(RAB11B):c.561C>T (p.His187=)

Gene: RAB11B (RAB11B, member RAS oncogene family; plus strand). Cytogenetic location: 19p13.2.
Variant type: single nucleotide variant.
Coding change: c.561C>T on transcript NM_004218.4 (MANE Select); coding-DNA position 561, C replaced by T.
Protein change: p.His187=; no amino-acid change (histidine 187 retained).
Molecular consequence: synonymous variant.
Genome position (GRCh38, 1-based): chr19:8,403,462, C>T. VCF-style: chr19-8403462-C-T. GRCh37 (hg19) VCF-style: chr19-8468346-C-T.
Identifiers: ClinVar variation 1935071 (VCV001935071.18), dbSNP rs371272699, ClinGen allele CA9156425.

ClinVar aggregate classification (germline): Likely benign. Review status: criteria provided, multiple submitters, no conflicts (2 of 4 stars). 2 submissions from 2 submitters: Likely benign (2). Last evaluated 2026-02-02.

Allele frequency attached by ClinVar (database versions not stated): ExAC 0.00002; ESP Exome Variant Server 0.00008.
gnomAD v4.1: 28 of 1,613,774 alleles (0.0017%); highest among the groups gnomAD compares: South Asian, 0.0022%; no homozygotes.

Submissions (2):

Labcorp Genetics (formerly Invitae), Labcorp
Classification: Likely benign. Last evaluated: 2026-02-02. Review status: criteria provided, single submitter. Criteria: Invitae Variant Classification Sherloc (09022015). Collection method: clinical testing. Allele origin: germline.

CeGaT Center for Human Genetics Tuebingen
Classification: Likely benign. Last evaluated: 2024-12-01. Review status: criteria provided, single submitter. Criteria: CeGaT Center For Human Genetics Tuebingen Variant Classification Criteria Version 2. Collection method: clinical testing. Allele origin: germline. Affected: yes. Observed: 1 variant allele.
Comment: RAB11B: BP4, BP7